The following is an entry in ClinVar:

NM_003545.4(H4C5):c.247A>G (p.Thr83Ala)

Gene: H4C5 (H4 clustered histone 5; plus strand). Cytogenetic location: 6p22.2.
Variant type: single nucleotide variant.
Coding change: c.247A>G on transcript NM_003545.4 (MANE Select); coding-DNA position 247, A replaced by G.
Protein change: p.Thr83Ala; replaces threonine 83 with alanine.
Molecular consequence: missense variant.
Genome position (GRCh38, 1-based): chr6:26,204,891, A>G. VCF-style: chr6-26204891-A-G. GRCh37 (hg19) VCF-style: chr6-26205119-A-G.
Other names: short protein forms T83A.
Identifiers: ClinVar variation 2626917 (VCV002626917.2), dbSNP rs1765198451, ClinGen allele CA363201065.

ClinVar aggregate classification (germline): Uncertain significance. Review status: criteria provided, multiple submitters, no conflicts (2 of 4 stars). 2 submissions from 2 submitters: Uncertain significance (2). Last evaluated 2024-06-02.

Allele frequency attached by ClinVar (database versions not stated): TOPMed below 0.00001.

Submissions (2):

Ambry Genetics
Classification: Uncertain significance. Last evaluated: 2024-06-02. Review status: criteria provided, single submitter. Criteria: Ambry Variant Classification Scheme 2023. Collection method: clinical testing. Allele origin: germline.

Greenwood Genetic Center Diagnostic Laboratories, Greenwood Genetic Center
Classification: Uncertain significance. Last evaluated: 2023-09-05. Review status: criteria provided, single submitter. Criteria: ACMG Guidelines, 2015. Collection method: clinical testing. Allele origin: germline. Affected: yes.
Comment: PM2